The following is an entry in ClinVar:

NM_001182.5(ALDH7A1):c.696-502G>C

Gene: ALDH7A1 (aldehyde dehydrogenase 7 family member A1; minus strand). Cytogenetic location: 5q23.2.
Variant type: single nucleotide variant.
Coding change: c.696-502G>C on transcript NM_001182.5 (MANE Select); 502 bases into the intron before coding-DNA position 696, G replaced by C.
Molecular consequence: intron variant.
Genome position (GRCh38, 1-based): chr5:126,571,361, C>G on the plus strand (G>C on the coding strand, the complement: ALDH7A1 is on the minus strand). VCF-style: chr5-126571361-C-G. GRCh37 (hg19) VCF-style: chr5-125907053-C-G.
Other names: c.696-502G>C (NM_001202404.2); c.612-502G>C (NM_001201377.2).
Identifiers: ClinVar variation 1192522 (VCV001192522.2), dbSNP rs2112786192, ClinGen allele CA2499217522.

ClinVar aggregate classification (germline): not provided (0 of 4 stars; one submission).

Conditions:
Pyridoxine-dependent epilepsy (EPEO4). Also called: PYRIDOXINE DEPENDENCY WITH SEIZURES; EPILEPSY, EARLY-ONSET, 4, VITAMIN B6-DEPENDENT; Pyridoxine-Dependent Seizures; Pyridoxine-Dependent Epilepsy - ALDH7A1. Identifiers: Orphanet 3006, MedGen C1849508, MONDO:0009945, OMIM 266100. Disease mechanism: loss of function.

Submission:

GeneReviews
No classification provided. Condition: Pyridoxine-dependent epilepsy. Review status: no classification provided. Collection method: literature only. Allele origin: germline.
Comment: c.696-502G>C may result in introduction of a cryptic acceptor splice site, activation of a cryptic donor splice site, and introduction of a pseudoexon between exons 7 and 8

Literature cited by the submitters: PubMed 22305855; PubMed 20301659.